The following is an entry in ClinVar:

NM_001360.3(DHCR7):c.1172A>C (p.His391Pro)

Gene: DHCR7 (7-dehydrocholesterol reductase; minus strand). Cytogenetic location: 11q13.4.
Variant type: single nucleotide variant.
Coding change: c.1172A>C on transcript NM_001360.3 (MANE Select); coding-DNA position 1172, A replaced by C.
Protein change: p.His391Pro; replaces histidine 391 with proline.
Molecular consequence: missense variant.
Genome position (GRCh38, 1-based): chr11:71,435,631, T>G on the plus strand (A>C on the coding strand, the complement: DHCR7 is on the minus strand). VCF-style: chr11-71435631-T-G. GRCh37 (hg19) VCF-style: chr11-71146677-T-G.
Other names: c.1172A>C, p.His391Pro (NM_001163817.2); short protein forms H391P.
Identifiers: ClinVar variation 2188979 (VCV002188979.4), dbSNP rs1284886726, ClinGen allele CA381701682.

ClinVar aggregate classification (germline): Uncertain significance (1 of 4 stars; one submission).

Conditions:
Smith-Lemli-Opitz syndrome (SLOS). Also called: 7-Dehydrocholesterol reductase deficiency; LETHAL ACRODYSGENITAL SYNDROME; POLYDACTYLY, SEX REVERSAL, RENAL HYPOPLASIA, AND UNILOBAR LUNG; RSH SYNDROME; RUTLEDGE LETHAL MULTIPLE CONGENITAL ANOMALY SYNDROME. Identifiers: Orphanet 818, MedGen C0175694, MONDO:0010035, OMIM 270400.

Allele frequency attached by ClinVar (database versions not stated): TOPMed below 0.00001.

Submission:

Labcorp Genetics (formerly Invitae), Labcorp
Classification: Uncertain significance for Smith-Lemli-Opitz syndrome. Last evaluated: 2022-04-29. Review status: criteria provided, single submitter. Criteria: Invitae Variant Classification Sherloc (09022015). Collection method: clinical testing. Allele origin: germline.
Comment: In summary, the available evidence is currently insufficient to determine the role of this variant in disease. Therefore, it has been classified as a Variant of Uncertain Significance. Algorithms developed to predict the effect of missense changes on protein structure and function (SIFT, PolyPhen-2, Align-GVGD) all suggest that this variant is likely to be tolerated. This variant has not been reported in the literature in individuals affected with DHCR7-related conditions. This variant is not present in population databases (gnomAD no frequency). This sequence change replaces histidine, which is basic and polar, with proline, which is neutral and non-polar, at codon 391 of the DHCR7 protein (p.His391Pro).